The following is an entry in ClinVar:

NM_147686.4(TRAF3IP2):c.878C>G (p.Ala293Gly)

Genes: TRAF3IP2 (TRAF3 interacting protein 2; minus strand), TRAF3IP2-AS1 (TRAF3IP2 antisense RNA 1; plus strand). Cytogenetic location: 6q21.
Variant type: single nucleotide variant.
Coding change: c.878C>G on transcript NM_147686.4 (MANE Select); coding-DNA position 878, C replaced by G.
Protein change: p.Ala293Gly; replaces alanine 293 with glycine.
Molecular consequence: missense variant.
Genome position (GRCh38, 1-based): chr6:111,580,341, G>C on the plus strand (C>G on the coding strand, the complement: TRAF3IP2 is on the minus strand). VCF-style: chr6-111580341-G-C. GRCh37 (hg19) VCF-style: chr6-111901544-G-C.
Other names: c.878C>G, p.Ala293Gly (NM_001164281.3); c.905C>G, p.Ala302Gly (NM_147200.3); short protein forms A293G, A302G.
Identifiers: ClinVar variation 1042551 (VCV001042551.6), dbSNP rs1262799162, ClinGen allele CA365363601.

ClinVar aggregate classification (germline): Uncertain significance (1 of 4 stars; one submission).

Conditions:
Candidiasis, familial, 8 (CANDF8). Identifiers: Orphanet 1334, MedGen C3714992, MONDO:0014230, OMIM 615527.

Allele frequency attached by ClinVar (database versions not stated): TOPMed below 0.00001; gnomAD 0.00001; gnomAD exomes 0.00001.
gnomAD v4.1: 9 of 1,595,758 alleles (0.00056%); highest among the groups gnomAD compares: Non-Finnish European, 0.00077%; no homozygotes.

Submission:

Labcorp Genetics (formerly Invitae), Labcorp
Classification: Uncertain significance for Candidiasis, familial, 8. Last evaluated: 2022-08-22. Review status: criteria provided, single submitter. Criteria: Invitae Variant Classification Sherloc (09022015). Collection method: clinical testing. Allele origin: germline.
Comment: This sequence change replaces alanine, which is neutral and non-polar, with glycine, which is neutral and non-polar, at codon 293 of the TRAF3IP2 protein (p.Ala293Gly). This variant is not present in population databases (gnomAD no frequency). This variant has not been reported in the literature in individuals affected with TRAF3IP2-related conditions. ClinVar contains an entry for this variant (Variation ID: 1042551). Algorithms developed to predict the effect of missense changes on protein structure and function (SIFT, PolyPhen-2, Align-GVGD) all suggest that this variant is likely to be tolerated. Algorithms developed to predict the effect of sequence changes on RNA splicing suggest that this variant may create or strengthen a splice site. In summary, the available evidence is currently insufficient to determine the role of this variant in disease. Therefore, it has been classified as a Variant of Uncertain Significance.